The following is an entry in ClinVar:

ClinVar aggregate classification (germline): Uncertain significance (1 of 4 stars; one submission).

Conditions:
Cardiovascular phenotype. Identifiers: MedGen CN230736.

gnomAD v4.1: 7 of 1,613,746 alleles (0.00043%); highest among the groups gnomAD compares: African/African-American, 0.0027%; no homozygotes.

Submission:

Ambry Genetics
Classification: Uncertain significance for Cardiovascular phenotype. Last evaluated: 2026-05-14. Review status: criteria provided, single submitter. Criteria: Ambry Variant Classification Scheme 2023. Collection method: clinical testing. Allele origin: germline.
Comment: The p.S1644F variant (also known as c.4931C>T), located in coding exon 40 of the CACNA1C gene, results from a C to T substitution at nucleotide position 4931. The serine at codon 1644 is replaced by phenylalanine, an amino acid with highly dissimilar properties. This amino acid position is conserved. In addition, the in silico prediction for this alteration is inconclusive. Based on the available evidence, the clinical significance of this variant remains unclear.

NM_000719.7(CACNA1C):c.4931C>T (p.Ser1644Phe)

Genes: CACNA1C (calcium voltage-gated channel subunit alpha1 C; plus strand), CACNA1C-AS1 (CACNA1C antisense RNA 1; minus strand). Cytogenetic location: 12p13.33.
Variant type: single nucleotide variant.
Coding change: c.4931C>T on transcript NM_000719.7 (MANE Select); coding-DNA position 4931, C replaced by T.
Protein change: p.Ser1644Phe; replaces serine 1644 with phenylalanine.
Molecular consequence: missense variant. On other transcripts: non-coding transcript variant (1).
Genome position (GRCh38, 1-based): chr12:2,677,196, C>T. VCF-style: chr12-2677196-C-T. GRCh37 (hg19) VCF-style: chr12-2786362-C-T.
Other names: c.5075C>T, p.Ser1692Phe (NM_001129827.2, NM_199460.4); c.5054C>T, p.Ser1685Phe (NM_001129829.2); c.4931C>T, p.Ser1644Phe (NM_001129830.3, NM_001129843.2, NM_001167623.2 and 4 more transcripts); c.5015C>T, p.Ser1672Phe (NM_001129831.2); c.4991C>T, p.Ser1664Phe (NM_001129832.2); c.4988C>T, p.Ser1663Phe (NM_001129833.2, NM_001129834.2, NM_001129835.2); c.4922C>T, p.Ser1641Phe (NM_001129844.2); c.4898C>T, p.Ser1633Phe (NM_001129846.2, NM_001167625.2); and 3 more; short protein forms S1633F, S1641F, S1644F, S1650F, S1652F, S1661F, S1663F, S1664F.
Identifiers: ClinVar variation 4868063 (VCV004868063.1).